The following is an entry in ClinVar:

ClinVar aggregate classification (germline): Conflicting classifications of pathogenicity. Review status: criteria provided, conflicting classifications (1 of 4 stars). 6 submissions from 6 submitters: Uncertain significance (2); Benign (1); Likely benign (1). 2 of the submissions do not count toward it. Last evaluated 2025-11-24.

Conditions:
Long QT syndrome (LQTS). Identifiers: MedGen C0023976, MeSH D008133, MONDO:0002442. Disease mechanism: loss of function. Inheritance: Various modes of inheritance.
Long QT syndrome 11 (LQT11). Identifiers: Orphanet 101016, Orphanet 768, MedGen C2678483, MONDO:0012738, OMIM 611820.
Cardiovascular phenotype. Identifiers: MedGen CN230736.

Allele frequency attached by ClinVar (database versions not stated): TOPMed 0.00008; gnomAD 0.00009 and 0.00013; ExAC 0.00015; 1000 Genomes Project 30x 0.00016; 1000 Genomes Project 0.00020; ESP Exome Variant Server 0.00023.
gnomAD v4.1: 194 of 1,612,790 alleles (0.012%); highest among the groups gnomAD compares: South Asian, 0.049%; 1 homozygote.

Submissions (6):

Labcorp Genetics (formerly Invitae), Labcorp
Classification: Uncertain significance for Long QT syndrome. Last evaluated: 2025-11-24. Review status: criteria provided, single submitter. Criteria: Invitae Variant Classification Sherloc (09022015). Collection method: clinical testing. Allele origin: germline.
Comment: This sequence change replaces threonine, which is neutral and polar, with lysine, which is basic and polar, at codon 2916 of the AKAP9 protein (p.Thr2916Lys). This variant is present in population databases (rs146648044, gnomAD 0.05%). This variant has not been reported in the literature in individuals affected with AKAP9-related conditions. ClinVar contains an entry for this variant (Variation ID: 1284691). An algorithm developed to predict the effect of missense changes on protein structure and function (PolyPhen-2) suggests that this variant is likely to be disruptive. In summary, the available evidence is currently insufficient to determine the role of this variant in disease. Therefore, it has been classified as a Variant of Uncertain Significance.

Ambry Genetics
Classification: Benign for Cardiovascular phenotype. Last evaluated: 2024-05-24. Review status: criteria provided, single submitter. Criteria: Ambry Variant Classification Scheme 2023. Collection method: clinical testing. Allele origin: germline.

Blueprint Genetics
Classification: Likely benign. Last evaluated: 2023-03-24. Review status: criteria provided, single submitter. Criteria: ACMG Guidelines, 2015. Collection method: clinical testing. Allele origin: germline.

Fulgent Genetics
Classification: Uncertain significance for Long QT syndrome 11. Last evaluated: 2021-07-19. Review status: criteria provided, single submitter. Criteria: ACMG Guidelines, 2015. Collection method: clinical testing. Allele origin: unknown.

Clinical Genetics, Academic Medical Center
Classification: Likely benign. Review status: no assertion criteria provided. Collection method: clinical testing. Allele origin: germline. Affected: yes. Study: VKGL Data-share Consensus. Not counted in ClinVar's aggregate classification.

Diagnostic Laboratory, Department of Genetics, University Medical Center Groningen
Classification: Likely benign. Review status: no assertion criteria provided. Collection method: clinical testing. Allele origin: germline. Affected: yes. Study: VKGL Data-share Consensus. Not counted in ClinVar's aggregate classification.

Literature cited by the submitters: PubMed 30615648 (cited by Ambry Genetics).

NM_005751.5(AKAP9):c.8747C>A (p.Thr2916Lys)

Gene: AKAP9 (A-kinase anchoring protein 9; plus strand). Cytogenetic location: 7q21.2.
Variant type: single nucleotide variant.
Coding change: c.8747C>A on transcript NM_005751.5 (MANE Select); coding-DNA position 8747, C replaced by A.
Protein change: p.Thr2916Lys; replaces threonine 2916 with lysine.
Molecular consequence: missense variant.
Genome position (GRCh38, 1-based): chr7:92,084,855, C>A. VCF-style: chr7-92084855-C-A. GRCh37 (hg19) VCF-style: chr7-91714169-C-A.
Other names: c.3392C>A, p.Thr1131Lys (NM_001379277.1); c.8723C>A, p.Thr2908Lys (NM_147185.3); short protein forms T1131K, T2908K, T2916K.
Identifiers: ClinVar variation 1284691 (VCV001284691.14), dbSNP rs146648044, ClinGen allele CA4337577.